The following is an entry in ClinVar:

ClinVar aggregate classification (germline): Uncertain significance. Review status: reviewed by expert panel (3 of 4 stars). 2 submissions from 2 submitters: Uncertain significance (1). 1 of the submissions does not count toward it. Last evaluated 2024-06-14.

Conditions:
Recombinase activating gene 2 deficiency. Also called: RAG2 deficiency. Identifiers: MedGen CN257931, MONDO:0000573.
Combined immunodeficiency with skin granulomas. Identifiers: Orphanet 157949, MedGen C2673536, MONDO:0009306, OMIM 233650.
Severe combined immunodeficiency, autosomal recessive, T cell-negative, B cell-negative, NK cell-positive. Also called: SCID, T CELL-NEGATIVE, B CELL-NEGATIVE, NK CELL-POSITIVE; SCID, AR, T-cell negative, B-cell negative, NK cell-positive; Severe combined immunodeficiency due to complete RAG1/2 deficiency. Identifiers: Orphanet 331206, MedGen C1832322, MONDO:0011086, OMIM 601457.

Allele frequency attached by ClinVar (database versions not stated): gnomAD exomes below 0.00001.

Submissions (2):

ClinGen Severe Combined Immunodeficiency Variant Curation Expert Panel, ClinGen
Classification: Uncertain significance for Recombinase activating gene 2 deficiency. Last evaluated: 2024-06-14. Review status: reviewed by expert panel. Criteria: ClinGen SCID ACMG Specifications RAG2 V1.0.0. Collection method: curation. Allele origin: germline. Inheritance: Autosomal recessive inheritance.
Comment: NM_000536.4(RAG2):c.1A>G is a missense variant predicted to cause substitution of Methionine by Valine at amino acid 1 (p.Met1Val). This sequence change affects the initiator methionine of the RAG2 mRNA. The next possible initiation codon is at codon 5. This region does not contain known pathogenic/likely pathogenic variants (PVS1_Supporting). This missense variant is located in the core domain (amino acids 1-383) (PM1_supporting). The variant is absent in gnomAD v4 (PM2_supporting). The patient was found compound heterozygous for c.1A>G; p.M1V and c.1403_1406delATCT (not evaluated by SCID VCEP yet) (PMID: 31031743) (PM3 not evaluated). In summary, this variant meets the criteria to be classified as a variant of uncertain significance for autosomal recessive severe combined immunodeficiency due to RAG2 deficiency based on the ACMG/AMP criteria applied, as specified by the ClinGen SCID VCEP: PVS1_Supporting,PM1_supporting, PM2_supporting,PP4 met(VCEP specifications version 1).

Labcorp Genetics (formerly Invitae), Labcorp
Classification: Pathogenic for Combined immunodeficiency with skin granulomas; Severe combined immunodeficiency, autosomal recessive, T cell-negative, B cell-negative, NK cell-positive. Last evaluated: 2023-03-18. Review status: criteria provided, single submitter. Criteria: Invitae Variant Classification Sherloc (09022015). Collection method: clinical testing. Allele origin: germline. Not counted in ClinVar's aggregate classification.
Comment: Disruption of the initiator codon has been observed in individual(s) with severe combined immunodeficiency (PMID: 31031743; Invitae). In at least one individual the data is consistent with being in trans (on the opposite chromosome) from a pathogenic variant. For these reasons, this variant has been classified as Pathogenic. This variant is not present in population databases (gnomAD no frequency). This sequence change affects the initiator methionine of the RAG2 mRNA. The next in-frame methionine is located at codon 5.

Literature cited by the submitters: PubMed 31031743 (cited by Labcorp Genetics (formerly Invitae), Labcorp).

NM_000536.4(RAG2):c.1A>G (p.Met1Val)

Gene: RAG2 (recombination activating 2; minus strand). Cytogenetic location: 11p12.
Variant type: single nucleotide variant.
Coding change: c.1A>G on transcript NM_000536.4 (MANE Select); coding-DNA position 1, A replaced by G.
Protein change: p.Met1Val; changes the start codon (methionine 1).
Molecular consequence: missense variant, initiator codon variant.
Genome position (GRCh38, 1-based): chr11:36,594,168, T>C on the plus strand (A>G on the coding strand, the complement: RAG2 is on the minus strand). VCF-style: chr11-36594168-T-C. GRCh37 (hg19) VCF-style: chr11-36615718-T-C.
Other names: NM_001243786.2:c.1A>G; c.1A>G, p.Met1Val (NM_001243785.2, NM_001243786.2); short protein forms M1V.
Identifiers: ClinVar variation 624606 (VCV000624606.4), dbSNP rs1564997814, ClinGen allele CA380145381.